The following is an entry in ClinVar:

NM_198834.3(ACACA):c.4403A>C (p.Asp1468Ala)

Gene: ACACA (acetyl-CoA carboxylase alpha; minus strand). Cytogenetic location: 17q12.
Variant type: single nucleotide variant.
Coding change: c.4403A>C on transcript NM_198834.3 (MANE Select); coding-DNA position 4403, A replaced by C.
Protein change: p.Asp1468Ala; replaces aspartic acid 1468 with alanine.
Molecular consequence: missense variant.
Genome position (GRCh38, 1-based): chr17:37,192,103, T>G on the plus strand (A>C on the coding strand, the complement: ACACA is on the minus strand). VCF-style: chr17-37192103-T-G. GRCh37 (hg19) VCF-style: chr17-35549044-T-G.
Other names: c.4292A>C, p.Asp1431Ala (NM_198836.3, NM_198839.3); c.4118A>C, p.Asp1373Ala (NM_198837.2); c.4058A>C, p.Asp1353Ala (NM_198838.2); short protein forms D1353A, D1468A, D1373A, D1431A.
Identifiers: ClinVar variation 4717296 (VCV004717296.1).
Genomic context (GRCh38, chr17:37,192,103, plus strand): 5'-CTGTCCCTTCCCTCAGGGATAACATCCCATTAAAGTACAGCACCCACCTTGGTGACCAGA[T>G]CAGAATGCCTGATGATTGCACGAACAAAGAACCTGTAGTCTGTCACTTCTGTGCCCACTT-3'
Protein context (NP_942131.1, residues 1458-1478): FFVRAIIRHS[Asp1468Ala]LVTKEASFEY

ClinVar aggregate classification (germline): Uncertain significance (1 of 4 stars; one submission).

Submission:

Labcorp Genetics (formerly Invitae), Labcorp
Classification: Uncertain significance. Last evaluated: 2025-04-11. Review status: criteria provided, single submitter. Criteria: Invitae Variant Classification Sherloc (09022015). Collection method: clinical testing. Allele origin: germline.
Comment: This sequence change replaces aspartic acid, which is acidic and polar, with alanine, which is neutral and non-polar, at codon 1431 of the ACACA protein (p.Asp1431Ala). This variant is not present in population databases (gnomAD no frequency). This variant has not been reported in the literature in individuals affected with ACACA-related conditions. An algorithm developed to predict the effect of missense changes on protein structure and function (PolyPhen-2) suggests that this variant is likely to be disruptive. In summary, the available evidence is currently insufficient to determine the role of this variant in disease. Therefore, it has been classified as a Variant of Uncertain Significance.